The following is an entry in ClinVar:

ClinVar aggregate classification (germline): Uncertain significance (1 of 4 stars; one submission).

Allele frequency attached by ClinVar (database versions not stated): gnomAD 0.00001; gnomAD exomes 0.00002; TOPMed below 0.00001; ExAC 0.00001.
gnomAD v4.1: 30 of 1,610,312 alleles (0.0019%); highest among the groups gnomAD compares: South Asian, 0.0044%; no homozygotes.

Submission:

Athena Diagnostics
Classification: Uncertain significance. Last evaluated: 2022-12-06. Review status: criteria provided, single submitter. Criteria: Athena Diagnostics Criteria. Collection method: clinical testing. Allele origin: unknown.
Comment: Available data are insufficient to determine the clinical significance of the variant at this time. The frequency of this variant in the general population is higher than would generally be expected for pathogenic variants in this gene. Computational tools predict that this variant is not damaging.

NM_001961.4(EEF2):c.2507C>T (p.Ala836Val)

Gene: EEF2 (eukaryotic translation elongation factor 2; minus strand). Cytogenetic location: 19p13.3.
Variant type: single nucleotide variant.
Coding change: c.2507C>T on transcript NM_001961.4 (MANE Select); coding-DNA position 2507, C replaced by T.
Protein change: p.Ala836Val; replaces alanine 836 with valine.
Molecular consequence: missense variant.
Genome position (GRCh38, 1-based): chr19:3,976,624, G>A on the plus strand (C>T on the coding strand, the complement: EEF2 is on the minus strand). VCF-style: chr19-3976624-G-A. GRCh37 (hg19) VCF-style: chr19-3976622-G-A.
Other names: short protein forms A836V.
Identifiers: ClinVar variation 2684182 (VCV002684182.1), dbSNP rs764816209, ClinGen allele CA9088506.